The following is an entry in ClinVar:

ClinVar aggregate classification (germline): Conflicting classifications of pathogenicity. Review status: criteria provided, conflicting classifications (1 of 4 stars). 2 submissions from 2 submitters: Uncertain significance (1); Likely benign (1). Last evaluated 2025-05-26.

Conditions:
Fibrous dysplasia of jaw (CRBM). Also called: Cherubism. Identifiers: Orphanet 184, MedGen C0008029, MONDO:0007315, OMIM 118400.

Allele frequency attached by ClinVar (database versions not stated): ExAC 0.00007; gnomAD exomes 0.00007; gnomAD 0.00009; TOPMed 0.00012; 1000 Genomes Project 0.00020; 1000 Genomes Project 30x 0.00031.

Submissions (2):

Labcorp Genetics (formerly Invitae), Labcorp
Classification: Uncertain significance for Fibrous dysplasia of jaw. Last evaluated: 2025-05-26. Review status: criteria provided, single submitter. Criteria: Invitae Variant Classification Sherloc (09022015). Collection method: clinical testing. Allele origin: germline.
Comment: This sequence change falls in intron 11 of the SH3BP2 gene. It does not directly change the encoded amino acid sequence of the SH3BP2 protein. It affects a nucleotide within the consensus splice site. This variant is present in population databases (rs548212932, gnomAD 0.01%). This variant has not been reported in the literature in individuals affected with SH3BP2-related conditions. ClinVar contains an entry for this variant (Variation ID: 525206). Variants that disrupt the consensus splice site are a relatively common cause of aberrant splicing (PMID: 17576681, 9536098). Algorithms developed to predict the effect of sequence changes on RNA splicing suggest that this variant is not likely to affect RNA splicing. In summary, the available evidence is currently insufficient to determine the role of this variant in disease. Therefore, it has been classified as a Variant of Uncertain Significance.

Blueprint Genetics
Classification: Likely benign. Last evaluated: 2023-08-02. Review status: criteria provided, single submitter. Criteria: ACMG Guidelines, 2015. Collection method: clinical testing. Allele origin: germline.

Literature cited by the submitters: PubMed 17576681 (cited by Labcorp Genetics (formerly Invitae), Labcorp); PubMed 9536098 (cited by Labcorp Genetics (formerly Invitae), Labcorp).

NM_001122681.2(SH3BP2):c.1488+6C>T

Gene: SH3BP2 (SH3 domain binding protein 2; plus strand). Cytogenetic location: 4p16.3.
Variant type: single nucleotide variant.
Coding change: c.1488+6C>T on transcript NM_001122681.2 (MANE Select); 6 bases into the intron after coding-DNA position 1488, C replaced by T.
Molecular consequence: intron variant.
Genome position (GRCh38, 1-based): chr4:2,832,418, C>T. VCF-style: chr4-2832418-C-T. GRCh37 (hg19) VCF-style: chr4-2834145-C-T.
Other names: c.1488+6C>T (LRG_1334t1, NM_003023.4); c.1572+6C>T (LRG_1334t2, NM_001145855.2); c.1659+6C>T (NM_001145856.2).
Identifiers: ClinVar variation 525206 (VCV000525206.12), dbSNP rs548212932, ClinGen allele CA2819567.